The following is an entry in ClinVar:

NM_004304.5(ALK):c.1841G>C (p.Trp614Ser)

Gene: ALK (ALK receptor tyrosine kinase; minus strand). Cytogenetic location: 2p23.2.
Variant type: single nucleotide variant.
Coding change: c.1841G>C on transcript NM_004304.5 (MANE Select); coding-DNA position 1841, G replaced by C.
Protein change: p.Trp614Ser; replaces tryptophan 614 with serine.
Molecular consequence: missense variant.
Genome position (GRCh38, 1-based): chr2:29,275,473, C>G on the plus strand (G>C on the coding strand, the complement: ALK is on the minus strand). VCF-style: chr2-29275473-C-G. GRCh37 (hg19) VCF-style: chr2-29498339-C-G.
Other names: short protein forms W614S.
Identifiers: ClinVar variation 2770054 (VCV002770054.3), dbSNP rs760038434, ClinGen allele CA346480007.

ClinVar aggregate classification (germline): Uncertain significance (1 of 4 stars; one submission).

Conditions:
Neuroblastoma, susceptibility to, 3. Also called: ALK-Related Neuroblastic Tumor Susceptibility. Identifiers: Orphanet 635, MedGen C2751681, MONDO:0013083, OMIM 613014.

Submission:

Labcorp Genetics (formerly Invitae), Labcorp
Classification: Uncertain significance for Neuroblastoma, susceptibility to, 3. Last evaluated: 2023-10-19. Review status: criteria provided, single submitter. Criteria: Invitae Variant Classification Sherloc (09022015). Collection method: clinical testing. Allele origin: germline.
Comment: This sequence change replaces tryptophan, which is neutral and slightly polar, with serine, which is neutral and polar, at codon 614 of the ALK protein (p.Trp614Ser). This variant is not present in population databases (gnomAD no frequency). This variant has not been reported in the literature in individuals affected with ALK-related conditions. An algorithm developed to predict the effect of missense changes on protein structure and function (PolyPhen-2) suggests that this variant is likely to be tolerated. In summary, the available evidence is currently insufficient to determine the role of this variant in disease. Therefore, it has been classified as a Variant of Uncertain Significance.